The following is an entry in ClinVar:

NM_021076.4(NEFH):c.29T>C (p.Leu10Pro)

Gene: NEFH (neurofilament heavy chain; plus strand). Cytogenetic location: 22q12.2.
Variant type: single nucleotide variant.
Coding change: c.29T>C on transcript NM_021076.4 (MANE Select); coding-DNA position 29, T replaced by C.
Protein change: p.Leu10Pro; replaces leucine 10 with proline.
Molecular consequence: missense variant.
Genome position (GRCh38, 1-based): chr22:29,480,291, T>C. VCF-style: chr22-29480291-T-C. GRCh37 (hg19) VCF-style: chr22-29876280-T-C.
Other names: short protein forms L10P.
Identifiers: ClinVar variation 4856632 (VCV004856632.1).
Genomic context (GRCh38, chr22:29,480,291, plus strand): 5'-CCCCGTCCCGGCCTCGCGCACCTGCTCAGGCCATGATGAGCTTCGGCGGCGCGGACGCGC[T>C]GCTGGGCGCCCCGTTCGCGCCGCTGCATGGCGGCGGCAGCCTCCACTACGCGCTAGCCCG-3'
Protein context (NP_066554.2, residues 1-20): MMSFGGADA[Leu10Pro]LGAPFAPLHG

ClinVar aggregate classification (germline): Uncertain significance (1 of 4 stars; one submission).

Conditions:
Amyotrophic lateral sclerosis type 1 (ALS1). Also called: AMYOTROPHIC LATERAL SCLEROSIS 1, FAMILIAL. Identifiers: Orphanet 803, MedGen C1862939, MONDO:0007103, OMIM 105400.

Submission:

Ozbek Human Genetics Laboratory, Izmir Biomedicine and Genome Center
Classification: Uncertain significance for Amyotrophic lateral sclerosis type 1. Last evaluated: 2025-05-16. Review status: criteria provided, single submitter. Criteria: ACMG Guidelines, 2015. Collection method: research. Allele origin: unknown. Affected: yes. Observed: 1 variant allele, 1 heterozygote.
Comment: A heterozygous (NM_021076.4):c.29T>C, p.(Leu10Pro) missense variant was detected in exon 1 of the NEFH gene. This variant is observed to be highly rare in population databases and has never been previously reported in a homozygous state (PM2). Based on current information, it is classified as a Variant of Uncertain Significance (VUS) according to ACMG criteria. This gene has been defined in the literature as a risk factor for ALS susceptibility (PMID: 38775181). Data obtained via the RAREBOOST project (Horizon 2020 ERA Chairs at Izmir Biomedicine and Genome Center - IBG)

Literature cited by the submitters: PubMed 38775181.